The following is an entry in ClinVar:

NM_017777.4(MKS1):c.586G>A (p.Val196Ile)

Gene: MKS1 (MKS transition zone complex subunit 1; minus strand). Cytogenetic location: 17q22.
Variant type: single nucleotide variant.
Coding change: c.586G>A on transcript NM_017777.4 (MANE Select); coding-DNA position 586, G replaced by A.
Protein change: p.Val196Ile; replaces valine 196 with isoleucine.
Molecular consequence: missense variant. On other transcripts: 5 prime UTR variant (1).
Genome position (GRCh38, 1-based): chr17:58,214,317, C>T on the plus strand (G>A on the coding strand, the complement: MKS1 is on the minus strand). VCF-style: chr17-58214317-C-T. GRCh37 (hg19) VCF-style: chr17-56291678-C-T.
Other names: c.-24G>A (NM_001321268.2); c.586G>A, p.Val196Ile (NM_001321269.2, NM_001330397.2); c.586G>A (NM_017777.3); short protein forms V196I.
Identifiers: ClinVar variation 1000896 (VCV001000896.7), dbSNP rs140677541, ClinGen allele CA8669466.

ClinVar aggregate classification (germline): Uncertain significance. Review status: criteria provided, multiple submitters, no conflicts (2 of 4 stars). 4 submissions from 4 submitters: Uncertain significance (2). 2 of the submissions do not count toward it. Last evaluated 2024-04-24.

Conditions:
Joubert syndrome. Also called: JOUBERT-BOLTSHAUSER SYNDROME; Familial aplasia of the vermis. Identifiers: Orphanet 475, MedGen C5979921, MONDO:0018772.
Meckel-Gruber syndrome. Also called: DYSENCEPHALIA SPLANCHNOCYSTICA; GRUBER SYNDROME; Dysencephalia splachnocystica. Identifiers: Orphanet 564, MedGen C0265215, MONDO:0018921.
Meckel syndrome, type 1 (MKS1). Also called: MECKEL-GRUBER SYNDROME, TYPE 1. Identifiers: Orphanet 564, MedGen C3714506, MONDO:0009571, OMIM 249000.
MKS1-related disorder. Also called: MKS1-related disorders; MKS1-related condition. Identifiers: MedGen CN239382.

Allele frequency attached by ClinVar (database versions not stated): gnomAD 0.00001 and 0.00003; ExAC 0.00002; gnomAD exomes 0.00002 and 0.00003; 1000 Genomes Project 30x 0.00031; 1000 Genomes Project 0.00040.
gnomAD v4.1: 36 of 1,614,042 alleles (0.0022%); highest among the groups gnomAD compares: Middle Eastern, 0.017%; no homozygotes.

Submissions (4):

Blueprint Genetics
Classification: Uncertain significance. Last evaluated: 2024-04-24. Review status: criteria provided, single submitter. Criteria: ACMG Guidelines, 2015. Collection method: clinical testing. Allele origin: germline.

Labcorp Genetics (formerly Invitae), Labcorp
Classification: Uncertain significance for Joubert syndrome; Meckel-Gruber syndrome. Last evaluated: 2022-09-13. Review status: criteria provided, single submitter. Criteria: Invitae Variant Classification Sherloc (09022015). Collection method: clinical testing. Allele origin: germline.
Comment: This sequence change replaces valine, which is neutral and non-polar, with isoleucine, which is neutral and non-polar, at codon 196 of the MKS1 protein (p.Val196Ile). This variant is present in population databases (rs140677541, gnomAD 0.02%). This variant has not been reported in the literature in individuals affected with MKS1-related conditions. ClinVar contains an entry for this variant (Variation ID: 1000896). Advanced modeling of protein sequence and biophysical properties (such as structural, functional, and spatial information, amino acid conservation, physicochemical variation, residue mobility, and thermodynamic stability) performed at Invitae indicates that this missense variant is not expected to disrupt MKS1 protein function. In summary, the available evidence is currently insufficient to determine the role of this variant in disease. Therefore, it has been classified as a Variant of Uncertain Significance.

PreventionGenetics, part of Exact Sciences
Classification: Uncertain significance for MKS1-related condition. Last evaluated: 2024-08-14. Review status: no assertion criteria provided. Collection method: clinical testing. Allele origin: germline. Not counted in ClinVar's aggregate classification.
Comment: The MKS1 c.586G>A variant is predicted to result in the amino acid substitution p.Val196Ile. To our knowledge, this variant has not been reported in the literature. This variant is reported in 0.0098% of alleles in individuals of South Asian descent in gnomAD. At this time, the clinical significance of this variant is uncertain due to the absence of conclusive functional and genetic evidence.

Natera, Inc.
Classification: Uncertain significance for Meckel syndrome type 1. Last evaluated: 2021-03-09. Review status: no assertion criteria provided. Collection method: clinical testing. Allele origin: germline. Not counted in ClinVar's aggregate classification.